The following is an entry in ClinVar:

NM_000059.4(BRCA2):c.5747A>T (p.His1916Leu)

Gene: BRCA2 (BRCA2 DNA repair associated; plus strand). Cytogenetic location: 13q13.1.
Variant type: single nucleotide variant.
Coding change: c.5747A>T on transcript NM_000059.4 (MANE Select); coding-DNA position 5747, A replaced by T.
Protein change: p.His1916Leu; replaces histidine 1916 with leucine.
Molecular consequence: missense variant.
Genome position (GRCh38, 1-based): chr13:32,340,102, A>T. VCF-style: chr13-32340102-A-T. GRCh37 (hg19) VCF-style: chr13-32914239-A-T.
Other names: c.5747A>T, p.His1916Leu (NM_001406719.1, NM_001406720.1); short protein forms H1916L.
Identifiers: ClinVar variation 1749413 (VCV001749413.4), dbSNP rs431825334, ClinGen allele CA387786993.

ClinVar aggregate classification (germline): Conflicting classifications of pathogenicity. Review status: criteria provided, conflicting classifications (1 of 4 stars). 2 submissions from 2 submitters: Uncertain significance (1); Likely benign (1). Last evaluated 2023-03-23.

Conditions:
Hereditary cancer-predisposing syndrome. Also called: Hereditary Cancer Syndrome; Hereditary neoplastic syndrome; Neoplastic Syndromes, Hereditary; Tumor predisposition. Identifiers: Orphanet 140162, MedGen C0027672, MeSH D009386, MONDO:0015356.

Submissions (2):

University of Washington Department of Laboratory Medicine, University of Washington
Classification: Likely benign for Hereditary cancer-predisposing syndrome. Last evaluated: 2023-03-23. Review status: criteria provided, single submitter. Criteria: Dines et al. (Genet Med. 2020). Collection method: curation. Allele origin: germline.
Comment: Missense variant in a coldspot region where missense variants are very unlikely to be pathogenic (PMID:31911673).

BRCA2 exon 11 coldspot. Reclassification based on statistical prior probability.

Ambry Genetics
Classification: Uncertain significance for Hereditary cancer-predisposing syndrome. Last evaluated: 2021-12-10. Review status: criteria provided, single submitter. Criteria: Ambry Variant Classification Scheme 2023. Collection method: clinical testing. Allele origin: germline.
Comment: The p.H1916L variant (also known as c.5747A>T), located in coding exon 10 of the BRCA2 gene, results from an A to T substitution at nucleotide position 5747. The histidine at codon 1916 is replaced by leucine, an amino acid with similar properties. This amino acid position is conserved. In addition, this alteration is predicted to be tolerated by in silico analysis. Since supporting evidence is limited at this time, the clinical significance of this alteration remains unclear.